The following is an entry in ClinVar:

NM_000443.4(ABCB4):c.649A>C (p.Thr217Pro)

Gene: ABCB4 (ATP binding cassette subfamily B member 4; minus strand). Cytogenetic location: 7q21.12.
Variant type: single nucleotide variant.
Coding change: c.649A>C on transcript NM_000443.4 (MANE Select); coding-DNA position 649, A replaced by C.
Protein change: p.Thr217Pro; replaces threonine 217 with proline.
Molecular consequence: missense variant.
Genome position (GRCh38, 1-based): chr7:87,451,682, T>G on the plus strand (A>C on the coding strand, the complement: ABCB4 is on the minus strand). VCF-style: chr7-87451682-T-G. GRCh37 (hg19) VCF-style: chr7-87080998-T-G.
Other names: c.649A>C, p.Thr217Pro (NM_018849.3, NM_018850.3); short protein forms T217P.
Identifiers: ClinVar variation 3640413 (VCV003640413.2).

ClinVar aggregate classification (germline): Uncertain significance (1 of 4 stars; one submission).

Submission:

Labcorp Genetics (formerly Invitae), Labcorp
Classification: Uncertain significance. Last evaluated: 2025-08-15. Review status: criteria provided, single submitter. Criteria: Invitae Variant Classification Sherloc (09022015). Collection method: clinical testing. Allele origin: germline.
Comment: This sequence change replaces threonine, which is neutral and polar, with proline, which is neutral and non-polar, at codon 217 of the ABCB4 protein (p.Thr217Pro). This variant is not present in population databases (gnomAD no frequency). This variant has not been reported in the literature in individuals affected with ABCB4-related conditions. ClinVar contains an entry for this variant (Variation ID: 3640413). Invitae Evidence Modeling of protein sequence and biophysical properties (such as structural, functional, and spatial information, amino acid conservation, physicochemical variation, residue mobility, and thermodynamic stability) indicates that this missense variant is expected to disrupt ABCB4 protein function with a positive predictive value of 80%. In summary, the available evidence is currently insufficient to determine the role of this variant in disease. Therefore, it has been classified as a Variant of Uncertain Significance.